The following is an entry in ClinVar:

ClinVar aggregate classification (germline): Uncertain significance (1 of 4 stars; one submission).

Conditions:
Early-infantile DEE. Also called: Ohtahara syndrome; Early infantile epileptic encephalopathy; Early infantile epileptic encephalopathy with suppression bursts. Identifiers: Orphanet 1934, MedGen C0393706, MONDO:0800491.

Submission:

Labcorp Genetics (formerly Invitae), Labcorp
Classification: Uncertain significance for Early-infantile DEE. Last evaluated: 2023-10-05. Review status: criteria provided, single submitter. Criteria: Invitae Variant Classification Sherloc (09022015). Collection method: clinical testing. Allele origin: germline.
Comment: This variant, c.5619_5621dup, results in the insertion of 1 amino acid(s) of the SCN8A protein (p.Val1874dup), but otherwise preserves the integrity of the reading frame. This variant is not present in population databases (gnomAD no frequency). This variant has not been reported in the literature in individuals affected with SCN8A-related conditions. Experimental studies and prediction algorithms are not available or were not evaluated, and the functional significance of this variant is currently unknown. In summary, the available evidence is currently insufficient to determine the role of this variant in disease. Therefore, it has been classified as a Variant of Uncertain Significance.

NM_001330260.2(SCN8A):c.5619_5621dup (p.Val1874_Ala1875insVal)

Gene: SCN8A (sodium voltage-gated channel alpha subunit 8; plus strand). Cytogenetic location: 12q13.13.
Variant type: Duplication.
Coding change: c.5619_5621dup on transcript NM_001330260.2 (MANE Select); coding-DNA positions 5619 to 5621, 3 bases duplicated (CGT; older notation c.5619_5621dupCGT).
Protein change: p.Val1874_Ala1875insVal.
Molecular consequence: inframe insertion.
Genome position (GRCh38, 1-based): chr12:51,807,105-51,807,107, CGT duplicated; duplicating any 3 consecutive bases within chr12:51,807,104-51,807,107 gives the same sequence; the c. name uses the placement nearest the transcript's 3' end. VCF-style (leftmost placement, unchanged base first): chr12-51807103-T-TTCG. GRCh37 (hg19) VCF-style: chr12-52200887-T-TTCG.
Other names: c.5496_5498dup, p.Val1833_Ala1834insVal (NM_001177984.3, NM_001369788.1); c.5619_5621dup, p.Val1874_Ala1875insVal (NM_014191.4).
Identifiers: ClinVar variation 2765983 (VCV002765983.3), dbSNP rs2540335754, ClinGen allele CA2697559275.